The following is an entry in ClinVar:

ClinVar aggregate classification (germline): Uncertain significance (1 of 4 stars; one submission).

Conditions:
Nephronophthisis 9 (NPHP9). Identifiers: Orphanet 655, MedGen C3151188, MONDO:0013444, OMIM 613824.

Submission:

Labcorp Genetics (formerly Invitae), Labcorp
Classification: Uncertain significance for Nephronophthisis 9. Last evaluated: 2023-06-09. Review status: criteria provided, single submitter. Criteria: Invitae Variant Classification Sherloc (09022015). Collection method: clinical testing. Allele origin: germline.
Comment: In summary, the available evidence is currently insufficient to determine the role of this variant in disease. Therefore, it has been classified as a Variant of Uncertain Significance. An algorithm developed to predict the effect of missense changes on protein structure and function (PolyPhen-2) suggests that this variant is likely to be disruptive. This variant has not been reported in the literature in individuals affected with NEK8-related conditions. This variant is not present in population databases (gnomAD no frequency). This sequence change replaces arginine, which is basic and polar, with threonine, which is neutral and polar, at codon 201 of the NEK8 protein (p.Arg201Thr).

NM_178170.3(NEK8):c.602G>C (p.Arg201Thr)

Gene: NEK8 (NIMA related kinase 8; plus strand). Cytogenetic location: 17q11.2.
Variant type: single nucleotide variant.
Coding change: c.602G>C on transcript NM_178170.3 (MANE Select); coding-DNA position 602, G replaced by C.
Protein change: p.Arg201Thr; replaces arginine 201 with threonine.
Molecular consequence: missense variant.
Genome position (GRCh38, 1-based): chr17:28,735,355, G>C. VCF-style: chr17-28735355-G-C. GRCh37 (hg19) VCF-style: chr17-27062373-G-C.
Other names: short protein forms R201T.
Identifiers: ClinVar variation 2837419 (VCV002837419.3), dbSNP rs2034353120, ClinGen allele CA398425633.